The following is an entry in ClinVar:

ClinVar aggregate classification (germline): Conflicting classifications of pathogenicity. Review status: criteria provided, conflicting classifications (1 of 4 stars). 2 submissions from 2 submitters: Uncertain significance (1); Likely benign (1). Last evaluated 2024-10-29.

Conditions:
Hereditary cancer-predisposing syndrome. Also called: Tumor predisposition; Neoplastic Syndromes, Hereditary; Hereditary Cancer Syndrome; Hereditary neoplastic syndrome. Identifiers: Orphanet 140162, MedGen C0027672, MeSH D009386, MONDO:0015356.
Ataxia-telangiectasia syndrome (AT). Also called: LOUIS-BAR SYNDROME; Cerebello-oculocutaneous telangiectasia; Immunodeficiency with ataxia telangiectasia; Ataxia-telangiectasia, complementation group D; AT, COMPLEMENTATION GROUP C; ATAXIA-TELANGIECTASIA, COMPLEMENTATION GROUP A. Identifiers: Orphanet 100, MedGen C0004135, MONDO:0008840, OMIM 208900.

Submissions (2):

Labcorp Genetics (formerly Invitae), Labcorp
Classification: Uncertain significance for Ataxia-telangiectasia syndrome. Last evaluated: 2024-10-29. Review status: criteria provided, single submitter. Criteria: Invitae Variant Classification Sherloc (09022015). Collection method: clinical testing. Allele origin: germline.
Comment: This sequence change affects codon 548 of the ATM mRNA. It is a 'silent' change, meaning that it does not change the encoded amino acid sequence of the ATM protein. This variant is not present in population databases (gnomAD no frequency). This variant has not been reported in the literature in individuals affected with ATM-related conditions. ClinVar contains an entry for this variant (Variation ID: 1777111). Algorithms developed to predict the effect of sequence changes on RNA splicing suggest that this variant may disrupt the consensus splice site. In summary, the available evidence is currently insufficient to determine the role of this variant in disease. Therefore, it has been classified as a Variant of Uncertain Significance.

Ambry Genetics
Classification: Likely benign for Hereditary cancer-predisposing syndrome. Last evaluated: 2021-10-10. Review status: criteria provided, single submitter. Criteria: Ambry Variant Classification Scheme 2023. Collection method: clinical testing. Allele origin: germline.

NM_000051.4(ATM):c.1644C>T (p.Thr548=)

Gene: ATM (ATM serine/threonine kinase; plus strand). Cytogenetic location: 11q22.3.
Variant type: single nucleotide variant.
Coding change: c.1644C>T on transcript NM_000051.4 (MANE Select); coding-DNA position 1644, C replaced by T.
Protein change: p.Thr548=; no amino-acid change (threonine 548 retained).
Molecular consequence: synonymous variant.
Genome position (GRCh38, 1-based): chr11:108,251,873, C>T. VCF-style: chr11-108251873-C-T. GRCh37 (hg19) VCF-style: chr11-108122600-C-T.
Other names: c.1644C>T, p.Thr548= (NM_001351834.2).
Identifiers: ClinVar variation 1777111 (VCV001777111.5), dbSNP rs2135339757, ClinGen allele CA476672048.